The following is an entry in ClinVar:

NM_005502.4(ABCA1):c.*96T>C

Genes: ABCA1 (ATP binding cassette subfamily A member 1; minus strand), NIPSNAP3B (nipsnap homolog 3B; plus strand). Cytogenetic location: 9q31.1.
Variant type: single nucleotide variant.
Coding change: c.*96T>C on transcript NM_005502.4 (MANE Select); 96 bases downstream of the stop codon, T replaced by C.
Molecular consequence: 3 prime UTR variant.
Genome position (GRCh38, 1-based): chr9:104,784,219, A>G on the plus strand (T>C on the coding strand, the complement: ABCA1 is on the minus strand). VCF-style: chr9-104784219-A-G. GRCh37 (hg19) VCF-style: chr9-107546500-A-G.
Identifiers: ClinVar variation 364374 (VCV000364374.8), dbSNP rs74316246, ClinGen allele CA10632023.

ClinVar aggregate classification (germline): Benign/Likely benign. Review status: criteria provided, multiple submitters, no conflicts (2 of 4 stars). 3 submissions from 2 submitters: Benign (2); Likely benign (1). Last evaluated 2019-04-01.

Conditions:
Tangier disease (TGD). Also called: HIGH DENSITY LIPOPROTEIN DEFICIENCY, TANGIER TYPE; HIGH DENSITY LIPOPROTEIN DEFICIENCY, TYPE 1; Cholesterol thesaurismosis. Identifiers: Orphanet 31150, MedGen C0039292, MONDO:0008783, OMIM 205400.
Hypoalphalipoproteinemia, primary, 1. Identifiers: Orphanet 425, MedGen C5231558, MONDO:0011393, OMIM 604091.

Allele frequency attached by ClinVar (database versions not stated): gnomAD exomes 0.00050; gnomAD 0.00565 and 0.00612; TOPMed 0.00642; 1000 Genomes Project 0.00759; 1000 Genomes Project 30x 0.00796.
gnomAD v4.1: 1,592 of 1,518,832 alleles (0.1%); highest among the groups gnomAD compares: African/African-American, 1.8%; 21 homozygotes.

Submissions (3):

GeneDx
Classification: Likely benign. Last evaluated: 2019-04-01. Review status: criteria provided, single submitter. Criteria: GeneDx Variant Classification Process June 2021. Collection method: clinical testing. Allele origin: germline. Affected: yes.

Illumina Laboratory Services, Illumina
Classification: Benign for Hypoalphalipoproteinemia, primary, 1. Last evaluated: 2018-01-13. Review status: criteria provided, single submitter. Criteria: ICSL Variant Classification Criteria 13 December 2019. Collection method: clinical testing. Allele origin: germline.
Comment: This variant was observed in the ICSL laboratory as part of a predisposition screen in an ostensibly healthy population. It had not been previously curated by ICSL or reported in the Human Gene Mutation Database (HGMD: prior to June 1st, 2018), and was therefore a candidate for classification through an automated scoring system. Utilizing variant allele frequency, disease prevalence and penetrance estimates, and inheritance mode, an automated score was calculated to assess if this variant is too frequent to cause the disease. Based on the score and internal cut-off values, a variant classified as benign is not then subjected to further curation. The score for this variant resulted in a classification of benign for this disease.

Illumina Laboratory Services, Illumina
Classification: Benign for Tangier disease. Last evaluated: 2018-01-13. Review status: criteria provided, single submitter. Criteria: ICSL Variant Classification Criteria 13 December 2019. Collection method: clinical testing. Allele origin: germline.
Comment: the same text as in the submission from Illumina Laboratory Services, Illumina above.